The following is an entry in ClinVar:

ClinVar aggregate classification (germline): Uncertain significance (1 of 4 stars; one submission).

Conditions:
Intellectual developmental disorder, X-linked 1. Also called: Atkin Flaitz Patil Smith syndrome; MENTAL RETARDATION, X-LINKED 18; MENTAL RETARDATION, X-LINKED 78; Intellectual disability, X-linked 1. Identifiers: Orphanet 777, MedGen C2931498, MONDO:0010656, OMIM 309530.

Submission:

Labcorp Genetics (formerly Invitae), Labcorp
Classification: Uncertain significance for Intellectual developmental disorder, X-linked 1. Last evaluated: 2025-10-19. Review status: criteria provided, single submitter. Criteria: Invitae Variant Classification Sherloc (09022015). Collection method: clinical testing. Allele origin: germline.
Comment: This sequence change replaces aspartic acid, which is acidic and polar, with glutamic acid, which is acidic and polar, at codon 321 of the IQSEC2 protein (p.Asp321Glu). This variant is not present in population databases (gnomAD no frequency). This variant has not been reported in the literature in individuals affected with IQSEC2-related conditions. Invitae Evidence Modeling of protein sequence and biophysical properties (such as structural, functional, and spatial information, amino acid conservation, physicochemical variation, residue mobility, and thermodynamic stability) indicates that this missense variant is not expected to disrupt IQSEC2 protein function with a negative predictive value of 95%. In summary, the available evidence is currently insufficient to determine the role of this variant in disease. Therefore, it has been classified as a Variant of Uncertain Significance.

NM_001111125.3(IQSEC2):c.963C>G (p.Asp321Glu)

Gene: IQSEC2 (IQ motif and Sec7 domain ArfGEF 2; minus strand). Cytogenetic location: Xp11.22.
Variant type: single nucleotide variant.
Coding change: c.963C>G on transcript NM_001111125.3 (MANE Select); coding-DNA position 963, C replaced by G.
Protein change: p.Asp321Glu; replaces aspartic acid 321 with glutamic acid.
Molecular consequence: missense variant.
Genome position (GRCh38, 1-based): chrX:53,255,836, G>C on the plus strand (C>G on the coding strand, the complement: IQSEC2 is on the minus strand). VCF-style: chrX-53255836-G-C. GRCh37 (hg19) VCF-style: chrX-53285018-G-C.
Other names: c.963C>G, p.Asp321Glu (NM_001410736.1, NM_001441092.1); c.465C>G, p.Asp155Glu (NM_001441093.1); c.252C>G, p.Asp84Glu (NM_001441094.1, NM_001441095.1); c.348C>G, p.Asp116Glu (NM_015075.2); short protein forms D116E, D155E, D321E, D84E.
Identifiers: ClinVar variation 4801024 (VCV004801024.1).
Genomic context (GRCh38, chrX:53,255,836, plus strand): 5'-CCCAACCAGATGCCTCTGTTGCACCTTCTTGTCCTGCAGGTCTGTGGAGAGTTCATAGCT[G>C]TCCGATAGGGCCTTGGAGCGCTTTATCTCCTCCTCCTCCTGCTTCCTCAGGGCGACACTG-3'
Protein context (NP_001104595.1, residues 311-331): EEIKRSKALS[Asp321Glu]SYELSTDLQD